The following is an entry in ClinVar:

NM_001267550.2(TTN):c.2776G>A (p.Val926Ile)

Gene: TTN (titin; minus strand). Cytogenetic location: 2q31.2.
Variant type: single nucleotide variant.
Coding change: c.2776G>A on transcript NM_001267550.2 (MANE Select); coding-DNA position 2776, G replaced by A.
Protein change: p.Val926Ile; replaces valine 926 with isoleucine.
Molecular consequence: missense variant.
Genome position (GRCh38, 1-based): chr2:178,783,785, C>T on the plus strand (G>A on the coding strand, the complement: TTN is on the minus strand). VCF-style: chr2-178783785-C-T. GRCh37 (hg19) VCF-style: chr2-179648512-C-T.
Other names: c.2776G>A, p.Val926Ile (NM_133378.4, NM_001256850.1, NM_133379.5); c.2638G>A, p.Val880Ile (NM_003319.4, NM_133432.3, NM_133437.4); short protein forms V926I, V880I.
Identifiers: ClinVar variation 229415 (VCV000229415.5), dbSNP rs876658052, ClinGen allele CA10576580.

ClinVar aggregate classification (germline): Uncertain significance (1 of 4 stars; one submission).

Submission:

Laboratory for Molecular Medicine, Mass General Brigham Personalized Medicine
Classification: Uncertain significance. Last evaluated: 2015-04-29. Review status: criteria provided, single submitter. Criteria: LMM Criteria. Collection method: clinical testing. Allele origin: germline. Observed: 1 variant allele.
Comment: The p.Val926Ile variant in TTN has not been previously reported in individuals w ith cardiomyopathy or in large population studies. Computational prediction tool s and conservation analyses are conflicting. On the one hand, the variant amino acid (isoleucine, Ile) is present in 3 mammals (Tibetan antelope, sheep, and dom estic goat), suggesting that this change may be tolerated. However, this variant is located in the first base of the exon, which is part of the 3? splice region . Computational tools suggest an impact to splicing, though this information is not predictive enough to determine pathogenicity. In summary, the clinical signi ficance of the p.Val926Ile variant is uncertain.